The following is an entry in ClinVar:

NM_001927.4(DES):c.1105C>T (p.Arg369Cys)

Gene: DES (desmin; plus strand). Cytogenetic location: 2q35.
Variant type: single nucleotide variant.
Coding change: c.1105C>T on transcript NM_001927.4 (MANE Select); coding-DNA position 1105, C replaced by T.
Protein change: p.Arg369Cys; replaces arginine 369 with cysteine.
Molecular consequence: missense variant.
Genome position (GRCh38, 1-based): chr2:219,421,421, C>T. VCF-style: chr2-219421421-C-T. GRCh37 (hg19) VCF-style: chr2-220286143-C-T.
Other names: c.1105C>T (LRG_380t1); short protein forms R369C.
Identifiers: ClinVar variation 496146 (VCV000496146.16), dbSNP rs1475674849, ClinGen allele CA350694256.

ClinVar aggregate classification (germline): Uncertain significance. Review status: criteria provided, multiple submitters, no conflicts (2 of 4 stars). 6 submissions from 6 submitters: Uncertain significance (6). Last evaluated 2026-04-16.

Conditions:
Cardiovascular phenotype. Identifiers: MedGen CN230736.
Desmin-related myofibrillar myopathy (MFM1). Also called: Desminopathy; Desmin related myopathy (former name); Desmin storage myopathy (former name); MYOFIBRILLAR MYOPATHY WITH ARRHYTHMOGENIC RIGHT VENTRICULAR CARDIOMYOPATHY; DESMIN-RELATED MYOPATHY WITH ARRHYTHMOGENIC RIGHT VENTRICULAR CARDIOMYOPATHY; Myofibrillar myopathy 1. Identifiers: Orphanet 363543, Orphanet 98909, MedGen C1832370, MONDO:0011076, OMIM 601419.
Dilated cardiomyopathy 1I (CMD1I). Identifiers: Orphanet 154, MedGen C1858154, MONDO:0011482, OMIM 604765.
Neurogenic scapuloperoneal syndrome, Kaeser type (SCPNK). Also called: KAESER SYNDROME. Identifiers: Orphanet 85146, MedGen C1867005, MONDO:0008407, OMIM 181400.

Allele frequency attached by ClinVar (database versions not stated): gnomAD exomes below 0.00001 and 0.00001; gnomAD 0.00001; TOPMed 0.00003.
gnomAD v4.1: 17 of 1,613,900 alleles (0.0011%); highest among the groups gnomAD compares: South Asian, 0.0033%; no homozygotes.

Submissions (6):

GeneDx
Classification: Uncertain significance. Last evaluated: 2026-04-16. Review status: criteria provided, single submitter. Criteria: GeneDx Variant Classification Process June 2021. Collection method: clinical testing. Allele origin: germline.
Comment: Not observed at significant frequency in large population cohorts (gnomAD); In silico analysis supports that this missense variant has a deleterious effect on protein structure/function; Has not been previously published as pathogenic or benign to our knowledge; This variant is associated with the following publications: (PMID: 26807690)

Ambry Genetics
Classification: Uncertain significance for Cardiovascular phenotype. Last evaluated: 2024-05-02. Review status: criteria provided, single submitter. Criteria: Ambry Variant Classification Scheme 2023. Collection method: clinical testing. Allele origin: germline.
Comment: The p.R369C variant (also known as c.1105C>T), located in coding exon 6 of the DES gene, results from a C to T substitution at nucleotide position 1105. The arginine at codon 369 is replaced by cysteine, an amino acid with highly dissimilar properties. This amino acid position is highly conserved in available vertebrate species. In addition, this alteration is predicted to be deleterious by in silico analysis. Since supporting evidence is limited at this time, the clinical significance of this alteration remains unclear.

Labcorp Genetics (formerly Invitae), Labcorp
Classification: Uncertain significance for Desmin-related myofibrillar myopathy. Last evaluated: 2023-10-13. Review status: criteria provided, single submitter. Criteria: Invitae Variant Classification Sherloc (09022015). Collection method: clinical testing. Allele origin: germline.
Comment: This sequence change replaces arginine, which is basic and polar, with cysteine, which is neutral and slightly polar, at codon 369 of the DES protein (p.Arg369Cys). This variant is present in population databases (no rsID available, gnomAD 0.0009%). This variant has not been reported in the literature in individuals affected with DES-related conditions. ClinVar contains an entry for this variant (Variation ID: 496146). Advanced modeling of protein sequence and biophysical properties (such as structural, functional, and spatial information, amino acid conservation, physicochemical variation, residue mobility, and thermodynamic stability) has been performed at Invitae for this missense variant, however the output from this modeling did not meet the statistical confidence thresholds required to predict the impact of this variant on DES protein function. In summary, the available evidence is currently insufficient to determine the role of this variant in disease. Therefore, it has been classified as a Variant of Uncertain Significance.

Fulgent Genetics
Classification: Uncertain significance for Neurogenic scapuloperoneal syndrome, Kaeser type; Desmin-related myofibrillar myopathy; Dilated cardiomyopathy 1I. Last evaluated: 2021-09-03. Review status: criteria provided, single submitter. Criteria: ACMG Guidelines, 2015. Collection method: clinical testing. Allele origin: unknown.

Blueprint Genetics
Classification: Uncertain significance. Last evaluated: 2021-08-28. Review status: criteria provided, single submitter. Criteria: ACMG Guidelines, 2015. Collection method: clinical testing. Allele origin: germline.

Women's Health and Genetics/Laboratory Corporation of America, LabCorp
Classification: Uncertain significance. Last evaluated: 2016-01-13. Review status: criteria provided, single submitter. Criteria: LabCorp Variant Classification Summary - May 2015. Collection method: clinical testing. Allele origin: germline.